The following is an entry in ClinVar:

ClinVar aggregate classification (germline): Uncertain significance (1 of 4 stars; one submission).

Conditions:
Cardiovascular phenotype. Identifiers: MedGen CN230736.

Submission:

Ambry Genetics
Classification: Uncertain significance for Cardiovascular phenotype. Last evaluated: 2026-09-11. Review status: criteria provided, single submitter. Criteria: Ambry Variant Classification Scheme 2023. Collection method: clinical testing. Allele origin: germline.
Comment: The p.A73S variant (also known as c.217G>T), located in coding exon 3 of the APOB gene, results from a G to T substitution at nucleotide position 217. The alanine at codon 73 is replaced by serine, an amino acid with similar properties. This amino acid position is conserved. In addition, this alteration is predicted to be tolerated by in silico analysis. Based on the available evidence, the clinical significance of this variant remains unclear.

NM_000384.3(APOB):c.217G>T (p.Ala73Ser)

Genes: APOB (apolipoprotein B; minus strand), LOC106560211 (APOB 5' regulatory region; plus strand). Cytogenetic location: 2p24.1.
Variant type: single nucleotide variant.
Coding change: c.217G>T on transcript NM_000384.3 (MANE Select); coding-DNA position 217, G replaced by T.
Protein change: p.Ala73Ser; replaces alanine 73 with serine.
Molecular consequence: missense variant.
Genome position (GRCh38, 1-based): chr2:21,042,381, C>A on the plus strand (G>T on the coding strand, the complement: APOB is on the minus strand). VCF-style: chr2-21042381-C-A. GRCh37 (hg19) VCF-style: chr2-21265253-C-A.
Other names: short protein forms A73S.
Identifiers: ClinVar variation 4862937 (VCV004862937.2).